The following is an entry in ClinVar:

NM_004364.5(CEBPA):c.628A>G (p.Ile210Val)

Gene: CEBPA (CCAAT enhancer binding protein alpha; minus strand). Cytogenetic location: 19q13.11.
Variant type: single nucleotide variant.
Coding change: c.628A>G on transcript NM_004364.5 (MANE Select); coding-DNA position 628, A replaced by G.
Protein change: p.Ile210Val; replaces isoleucine 210 with valine.
Molecular consequence: missense variant.
Genome position (GRCh38, 1-based): chr19:33,301,787, T>C on the plus strand (A>G on the coding strand, the complement: CEBPA is on the minus strand). VCF-style: chr19-33301787-T-C. GRCh37 (hg19) VCF-style: chr19-33792693-T-C.
Other names: c.271A>G, p.Ile91Val (NM_001285829.2); c.733A>G, p.Ile245Val (NM_001287424.2); c.586A>G, p.Ile196Val (NM_001287435.2); short protein forms I196V, I210V, I245V, I91V.
Identifiers: ClinVar variation 5034286 (VCV005034286.1).

ClinVar aggregate classification (germline): Uncertain significance (1 of 4 stars; one submission).

Conditions:
Inborn genetic diseases. Identifiers: MedGen C0950123, MeSH D030342.

Submission:

Ambry Genetics
Classification: Uncertain significance for Inborn genetic diseases. Last evaluated: 2026-07-06. Review status: criteria provided, single submitter. Criteria: Ambry Variant Classification Scheme 2023. Collection method: clinical testing. Allele origin: germline.
Comment: The p.I210V variant (also known as c.628A>G), located in coding exon 1 of the CEBPA gene, results from an A to G substitution at nucleotide position 628. The isoleucine at codon 210 is replaced by valine, an amino acid with highly similar properties. This amino acid position is conserved. In addition, this alteration is predicted to be tolerated by in silico analysis. Based on the available evidence, the clinical significance of this variant remains unclear.